The following is an entry in ClinVar:

ClinVar aggregate classification (germline): Uncertain significance (1 of 4 stars; one submission).

Allele frequency attached by ClinVar (database versions not stated): TOPMed below 0.00001.
gnomAD v4.1: 3 of 1,405,996 alleles (0.00021%); highest among the groups gnomAD compares: Non-Finnish European, 0.00027%; no homozygotes.

Submission:

Labcorp Genetics (formerly Invitae), Labcorp
Classification: Uncertain significance. Last evaluated: 2023-06-14. Review status: criteria provided, single submitter. Criteria: Invitae Variant Classification Sherloc (09022015). Collection method: clinical testing. Allele origin: germline.
Comment: In summary, the available evidence is currently insufficient to determine the role of this variant in disease. Therefore, it has been classified as a Variant of Uncertain Significance. An algorithm developed to predict the effect of missense changes on protein structure and function (PolyPhen-2) suggests that this variant¬†is likely to be tolerated. This variant has not been reported in the literature in individuals affected with SPEG-related conditions. This variant is not present in population databases (gnomAD no frequency). This sequence change replaces arginine, which is basic and polar, with proline, which is neutral and non-polar, at codon 2022 of the SPEG protein (p.Arg2022Pro).

NM_005876.5(SPEG):c.6065G>C (p.Arg2022Pro)

Genes: ASIC4-AS1 (ASIC4 antisense RNA 1; minus strand), SPEG (striated muscle enriched protein kinase; plus strand). Cytogenetic location: 2q35.
Variant type: single nucleotide variant.
Coding change: c.6065G>C on transcript NM_005876.5 (MANE Select); coding-DNA position 6065, G replaced by C.
Protein change: p.Arg2022Pro; replaces arginine 2022 with proline.
Molecular consequence: missense variant.
Genome position (GRCh38, 1-based): chr2:219,483,528, G>C. VCF-style: chr2-219483528-G-C. GRCh37 (hg19) VCF-style: chr2-220348250-G-C.
Other names: short protein forms R2022P.
Identifiers: ClinVar variation 2960824 (VCV002960824.1), dbSNP rs1431084811, ClinGen allele CA350696374.